The following is an entry in ClinVar:

NM_182961.4(SYNE1):c.22590-3T>C

Gene: SYNE1 (spectrin repeat containing nuclear envelope protein 1; minus strand). Cytogenetic location: 6q25.2.
Variant type: single nucleotide variant.
Coding change: c.22590-3T>C on transcript NM_182961.4 (MANE Select); 3 bases into the intron before coding-DNA position 22590, T replaced by C.
Molecular consequence: intron variant.
Genome position (GRCh38, 1-based): chr6:152,208,209, A>G on the plus strand (T>C on the coding strand, the complement: SYNE1 is on the minus strand). VCF-style: chr6-152208209-A-G. GRCh37 (hg19) VCF-style: chr6-152529344-A-G.
Other names: c.22377-3T>C (NM_033071.5).
Identifiers: ClinVar variation 863318 (VCV000863318.5), dbSNP rs1400330082, ClinGen allele CA571437452.

ClinVar aggregate classification (germline): Uncertain significance (1 of 4 stars; one submission).

Conditions:
Emery-Dreifuss muscular dystrophy 4, autosomal dominant (EDMD4). Also called: EMERY-DREIFUSS MUSCULAR DYSTROPHY 4 WITH VARIABLE FEATURES. Identifiers: Orphanet 261, MedGen C2751807, MONDO:0013071, OMIM 612998.
Autosomal recessive ataxia, Beauce type. Also called: ATAXIA, RECESSIVE, OF BEAUCE; SYNE1 Deficiency; Spinocerebellar ataxia, autosomal recessive 8; SYNE1-Related Autosomal Recessive Cerebellar Ataxia. Identifiers: Orphanet 88644, MedGen C1853116, MONDO:0012549, OMIM 610743.

Allele frequency attached by ClinVar (database versions not stated): gnomAD exomes below 0.00001 and 0.00001.
gnomAD v4.1: 8 of 1,613,282 alleles (0.0005%); highest among the groups gnomAD compares: South Asian, 0.0011%; no homozygotes.

Submission:

Labcorp Genetics (formerly Invitae), Labcorp
Classification: Uncertain significance for Emery-Dreifuss muscular dystrophy 4, autosomal dominant; Autosomal recessive ataxia, Beauce type. Last evaluated: 2022-02-03. Review status: criteria provided, single submitter. Criteria: Invitae Variant Classification Sherloc (09022015). Collection method: clinical testing. Allele origin: germline.
Comment: This sequence change falls in intron 123 of the SYNE1 gene. It does not directly change the encoded amino acid sequence of the SYNE1 protein. It affects a nucleotide within the consensus splice site. This variant is present in population databases (no rsID available, gnomAD 0.0009%). This variant has not been reported in the literature in individuals affected with SYNE1-related conditions. ClinVar contains an entry for this variant (Variation ID: 863318). Variants that disrupt the consensus splice site are a relatively common cause of aberrant splicing (PMID: 17576681, 9536098). Algorithms developed to predict the effect of sequence changes on RNA splicing suggest that this variant is not likely to affect RNA splicing. In summary, the available evidence is currently insufficient to determine the role of this variant in disease. Therefore, it has been classified as a Variant of Uncertain Significance.

Literature cited by the submitters: PubMed 17576681; PubMed 9536098.